The following is an entry in ClinVar:

NM_000038.6(APC):c.1151G>A (p.Ser384Asn)

Gene: APC (APC regulator of Wnt signaling pathway; plus strand). Cytogenetic location: 5q22.2.
Variant type: single nucleotide variant.
Coding change: c.1151G>A on transcript NM_000038.6 (MANE Select); coding-DNA position 1151, G replaced by A.
Protein change: p.Ser384Asn; replaces serine 384 with asparagine.
Molecular consequence: missense variant. On other transcripts: intron variant (4).
Genome position (GRCh38, 1-based): chr5:112,819,183, G>A. VCF-style: chr5-112819183-G-A. GRCh37 (hg19) VCF-style: chr5-112154880-G-A.
Other names: c.1151G>A, p.Ser384Asn (NM_001127510.3, NM_001354895.2, NM_001354896.2); c.1097G>A, p.Ser366Asn (NM_001127511.3); c.1181G>A, p.Ser394Asn (NM_001354897.2); c.1076G>A, p.Ser359Asn (NM_001354898.2); c.1067G>A, p.Ser356Asn (NM_001354899.2); c.974G>A, p.Ser325Asn (NM_001354900.2, NM_001354901.2); c.302G>A, p.Ser101Asn (NM_001354906.2); c.964-86G>A (NM_001354902.2); and 3 more; short protein forms S101N, S325N, S356N, S359N, S366N, S384N, S394N.
Identifiers: ClinVar variation 1320958 (VCV001320958.3), dbSNP rs2149781773, ClinGen allele CA16023825.

ClinVar aggregate classification (germline): Uncertain significance. Review status: criteria provided, multiple submitters, no conflicts (2 of 4 stars). 2 submissions from 2 submitters: Uncertain significance (2). Last evaluated 2026-01-29.

Conditions:
Hereditary cancer-predisposing syndrome. Also called: Hereditary neoplastic syndrome; Tumor predisposition; Neoplastic Syndromes, Hereditary; Hereditary Cancer Syndrome. Identifiers: Orphanet 140162, MedGen C0027672, MeSH D009386, MONDO:0015356.

gnomAD v4.1: 1 of 1,614,008 alleles (0.000062%); highest among the groups gnomAD compares: Non-Finnish European, 0.000085%; no homozygotes.

Submissions (2):

Ambry Genetics
Classification: Uncertain significance for Hereditary cancer-predisposing syndrome. Last evaluated: 2026-01-29. Review status: criteria provided, single submitter. Criteria: Ambry Variant Classification Scheme 2023. Collection method: clinical testing. Allele origin: germline.
Comment: The p.S384N variant (also known as c.1151G>A), located in coding exon 9 of the APC gene, results from a G to A substitution at nucleotide position 1151. The serine at codon 384 is replaced by asparagine, an amino acid with highly similar properties. This amino acid position is highly conserved in available vertebrate species. In addition, in silico predictors for this gene do not accurately predict pathogenicity. Missense variants in APC are not a common cause of disease (Spier I et al. Genet Med. 2024 Feb;26(2):100992). Based on the available evidence, the clinical significance of this variant remains unclear.

GeneDx
Classification: Uncertain significance. Last evaluated: 2019-05-31. Review status: criteria provided, single submitter. Criteria: GeneDx Variant Classification Process June 2021. Collection method: clinical testing. Allele origin: germline. Affected: yes.
Comment: Not observed in large population cohorts (Lek et al., 2016); Has not been previously published as pathogenic or benign to our knowledge